The following is an entry in ClinVar:

NM_001267550.2(TTN):c.3730-238G>A

Genes: TTN (titin; minus strand), LOC101927055 (uncharacterized LOC101927055; plus strand). Cytogenetic location: 2q31.2.
Variant type: single nucleotide variant.
Coding change: c.3730-238G>A on transcript NM_001267550.2 (MANE Select); 238 bases into the intron before coding-DNA position 3730, G replaced by A.
Molecular consequence: intron variant.
Genome position (GRCh38, 1-based): chr2:178,779,700, C>T on the plus strand (G>A on the coding strand, the complement: TTN is on the minus strand). VCF-style: chr2-178779700-C-T. GRCh37 (hg19) VCF-style: chr2-179644427-C-T.
Other names: c.3730-238G>A (NM_001256850.1, NM_133378.4, NM_133379.5); c.3592-238G>A (NM_003319.4, NM_133437.4, NM_133432.3).
Identifiers: ClinVar variation 678682 (VCV000678682.1), dbSNP rs6709235, ClinGen allele CA60979702.

ClinVar aggregate classification (germline): Benign (1 of 4 stars; one submission).

Allele frequency attached by ClinVar (database versions not stated): gnomAD exomes 0.00291; gnomAD 0.02269 and 0.02446; 1000 Genomes Project 0.02516; TOPMed 0.02654; 1000 Genomes Project 30x 0.02670.
gnomAD v4.1: 4,611 of 534,812 alleles (0.86%); highest among the groups gnomAD compares: African/African-American, 7.9%; 164 homozygotes.

Submission:

GeneDx
Classification: Benign. Last evaluated: 2018-06-14. Review status: criteria provided, single submitter. Criteria: GeneDx Variant Classification (06012015). Collection method: clinical testing. Allele origin: germline. Affected: yes.
Comment: This variant is considered likely benign or benign based on one or more of the following criteria: it is a conservative change, it occurs at a poorly conserved position in the protein, it is predicted to be benign by multiple in silico algorithms, and/or has population frequency not consistent with disease.